The following is an entry in ClinVar:

ClinVar aggregate classification (germline): Pathogenic (1 of 4 stars; one submission).

Submission:

GeneDx
Classification: Pathogenic. Last evaluated: 2026-02-24. Review status: criteria provided, single submitter. Criteria: GeneDx Variant Classification Process June 2021. Collection method: clinical testing. Allele origin: germline.
Comment: Observed in large aggregate datasets examining de novo variants in patients with various developmental disorders; some of these patients harbor de novo variants in additional genes (PMID: 29276005, 33057194, 31785789, 35982159); Nonsense variant predicted to result in protein truncation or nonsense mediated decay in a gene for which loss of function is a known mechanism of disease; Not observed at significant frequency in large population cohorts (gnomAD); This variant is associated with the following publications: (PMID: 31785789, 33057194, 29276005, 35982159)

NM_022455.5(NSD1):c.5300dup (p.Tyr1767Ter)

Gene: NSD1 (nuclear receptor binding SET domain protein 1; plus strand). Cytogenetic location: 5q35.3.
Variant type: Duplication.
Coding change: c.5300dup on transcript NM_022455.5 (MANE Select); coding-DNA position 5300, one base duplicated (A; older notation c.5300dupA).
Protein change: p.Tyr1767Ter; replaces tyrosine 1767 with a stop codon.
Molecular consequence: nonsense.
Genome position (GRCh38, 1-based): chr5:177,267,715, A duplicated. VCF-style (leftmost placement, unchanged base first): chr5-177267714-T-TA. GRCh37 (hg19) VCF-style: chr5-176694715-T-TA.
Other names: c.4427dup, p.Tyr1476Ter (NM_001365684.2, NM_001409308.1, NM_001409309.1 and 1 more transcripts); c.5300dup, p.Tyr1767Ter (NM_001409301.1, NM_001409302.1, NM_001409303.1); c.4880dup, p.Tyr1627Ter (NM_001409304.1); c.4547dup, p.Tyr1516Ter (NM_001409305.1); c.4538dup, p.Tyr1513Ter (NM_001409306.1, NM_001409307.1); short protein forms Y1476*, Y1513*, Y1516*, Y1627*, Y1767*.
Identifiers: ClinVar variation 4887904 (VCV004887904.1).
Genomic context (GRCh38, chr5:177,267,714, plus strand): 5'-GACTGTAAAGCAGGCAAAAAGCCACACTACAGGGAGATTGTCTGGGTAAAAGTTGGACGA[T>TA]ACAGGTAAGCCTGAAGAATAGCACTCATCTCTTTTACCATCCTCTGTTTCTTGAGACCTC-3'